The following is an entry in ClinVar:

ClinVar aggregate classification (germline): Pathogenic (1 of 4 stars; one submission).

Conditions:
Niemann-Pick disease, type B. Also called: Chronic Visceral ASMD (Niemann-Pick Disease Type B; NPD-B). Identifiers: Orphanet 77293, MedGen C0268243, MONDO:0011871, OMIM 607616. Disease mechanism: loss of function.
Niemann-Pick disease, type A. Also called: SPHINGOMYELIN LIPIDOSIS; SPHINGOMYELINASE DEFICIENCY; Infantile Neurovisceral ASMD (Niemann-Pick Disease Type A; NPD-A). Identifiers: Orphanet 77292, MedGen C0268242, MONDO:0009756, OMIM 257200. Disease mechanism: loss of function.

Submission:

Labcorp Genetics (formerly Invitae), Labcorp
Classification: Pathogenic for Niemann-Pick disease, type B; Niemann-Pick disease, type A. Last evaluated: 2023-12-14. Review status: criteria provided, single submitter. Criteria: Invitae Variant Classification Sherloc (09022015). Collection method: clinical testing. Allele origin: germline.
Comment: This variant results in the deletion of part of exon 6 (c.1487-4_1499del) of the SMPD1 gene. While this variant is not anticipated to result in nonsense mediated decay, it likely alters RNA splicing and results in a disrupted protein product. This variant is not present in population databases (gnomAD no frequency). This variant has not been reported in the literature in individuals affected with SMPD1-related conditions. Variants that disrupt the consensus splice site are a relatively common cause of aberrant splicing (PMID: 17576681, 9536098). This variant disrupts a region of the SMPD1 protein in which other variant(s) (p.Arg498His) have been determined to be pathogenic (PMID: 15221801, 27338287, 31965297, 32292456; Invitae). This suggests that this is a clinically significant region of the protein, and that variants that disrupt it are likely to be disease-causing. For these reasons, this variant has been classified as Pathogenic.

Literature cited by the submitters: PubMed 17576681; PubMed 9536098; PubMed 15221801; PubMed 27338287; PubMed 31965297; PubMed 32292456.

NM_000543.5(SMPD1):c.1487-4_1499del

Gene: SMPD1 (sphingomyelin phosphodiesterase 1; plus strand). Cytogenetic location: 11p15.4.
Variant type: Deletion.
Coding change: c.1487-4_1499del on transcript NM_000543.5 (MANE Select); 4 bases into the intron before coding-DNA position 1487 through coding-DNA position 1499, 17 bases deleted (GCAGGTTACCGTGTGTA).
Molecular consequence: splice acceptor variant. On other transcripts: frameshift variant (1), non-coding transcript variant (1).
Genome position (GRCh38, 1-based): chr11:6,394,194-6,394,210, GCAGGTTACCGTGTGTA deleted. VCF-style (leftmost placement, unchanged base first): chr11-6394193-TGCAGGTTACCGTGTGTA-T. GRCh37 (hg19) VCF-style: chr11-6415423-TGCAGGTTACCGTGTGTA-T.
Other names: c.1503_1519del, p.Leu501fs (NM_001318087.2); c.566-4_578del (NM_001318088.2); c.1355-4_1367del (NM_001365135.2); c.1484-4_1496del (NM_001007593.3); short protein forms L501fs.
Identifiers: ClinVar variation 2921430 (VCV002921430.3), dbSNP rs2493821808, ClinGen allele CA2740093621.